The following is an entry in ClinVar:

ClinVar aggregate classification (germline): Benign/Likely benign. Review status: criteria provided, multiple submitters, no conflicts (2 of 4 stars). 3 submissions from 3 submitters: Benign (1); Likely benign (2). Last evaluated 2025-11-02.

Conditions:
KIF21A-related disorder. Also called: KIF21A-related condition.

Allele frequency attached by ClinVar (database versions not stated): gnomAD exomes 0.00045; ExAC 0.00055; 1000 Genomes Project 0.00160; 1000 Genomes Project 30x 0.00172; gnomAD 0.00186 and 0.00202; TOPMed 0.00216; ESP Exome Variant Server 0.00246.
gnomAD v4.1: 593 of 1,612,794 alleles (0.037%); highest among the groups gnomAD compares: African/African-American, 0.7%; 2 homozygotes.

Submissions (3):

PreventionGenetics, part of Exact Sciences
Classification: Likely benign for KIF21A-related condition. Last evaluated: 2025-11-02. Review status: criteria provided, single submitter. Criteria: ACMG Guidelines, 2015. Collection method: clinical testing. Allele origin: germline.
Comment: This variant is classified as likely benign based on ACMG/AMP sequence variant interpretation guidelines (Richards et al. 2015 PMID: 25741868, with internal and published modifications).

Blueprint Genetics
Classification: Likely benign. Last evaluated: 2024-09-04. Review status: criteria provided, single submitter. Criteria: ACMG Guidelines, 2015. Collection method: clinical testing. Allele origin: germline.

Labcorp Genetics (formerly Invitae), Labcorp
Classification: Benign. Last evaluated: 2019-12-31. Review status: criteria provided, single submitter. Criteria: Invitae Variant Classification Sherloc (09022015). Collection method: clinical testing. Allele origin: germline.

NM_001173464.2(KIF21A):c.2702+6C>T

Gene: KIF21A (kinesin family member 21A; minus strand). Cytogenetic location: 12q12.
Variant type: single nucleotide variant.
Coding change: c.2702+6C>T on transcript NM_001173464.2 (MANE Select); 6 bases into the intron after coding-DNA position 2702, C replaced by T.
Molecular consequence: intron variant.
Genome position (GRCh38, 1-based): chr12:39,332,887, G>A on the plus strand (C>T on the coding strand, the complement: KIF21A is on the minus strand). VCF-style: chr12-39332887-G-A. GRCh37 (hg19) VCF-style: chr12-39726689-G-A.
Other names: c.2594+6C>T (NM_001173465.2); c.2663+6C>T (NM_001173463.2, NM_017641.4); c.2702+6C>T (NM_001173464.1).
Identifiers: ClinVar variation 786606 (VCV000786606.6), dbSNP rs111232332, ClinGen allele CA6510730.